The following is an entry in ClinVar:

ClinVar aggregate classification (germline): Pathogenic/Likely pathogenic. Review status: criteria provided, multiple submitters, no conflicts (2 of 4 stars). 2 submissions from 2 submitters: Pathogenic (1); Likely pathogenic (1). Last evaluated 2024-02-07.

Conditions:
Charcot-Marie-Tooth disease, axonal, type 2EE. Also called: CHARCOT-MARIE-TOOTH NEUROPATHY, TYPE 2EE. Identifiers: MedGen C5193076, MONDO:0032728, OMIM 618400.

Allele frequency attached by ClinVar (database versions not stated): gnomAD exomes below 0.00001.
gnomAD v4.1: 1 of 1,614,212 alleles (0.000062%); highest among the groups gnomAD compares: Non-Finnish European, 0.000085%; no homozygotes.

Submissions (2):

Baylor Genetics
Classification: Likely pathogenic for Charcot-Marie-Tooth disease, axonal, type 2EE. Last evaluated: 2024-02-07. Review status: criteria provided, single submitter. Criteria: ACMG Guidelines, 2015. Collection method: clinical testing. Allele origin: unknown.

Labcorp Genetics (formerly Invitae), Labcorp
Classification: Pathogenic. Last evaluated: 2022-07-16. Review status: criteria provided, single submitter. Criteria: Invitae Variant Classification Sherloc (09022015). Collection method: clinical testing. Allele origin: germline.
Comment: For these reasons, this variant has been classified as Pathogenic. Algorithms developed to predict the effect of sequence changes on RNA splicing suggest that this variant may disrupt the consensus splice site. This variant has not been reported in the literature in individuals affected with MPV17-related conditions. This variant is not present in population databases (gnomAD no frequency). This sequence change creates a premature translational stop signal (p.Gln35*) in the MPV17 gene. It is expected to result in an absent or disrupted protein product. Loss-of-function variants in MPV17 are known to be pathogenic (PMID: 23714749).

Literature cited by the submitters: PubMed 23714749 (cited by Labcorp Genetics (formerly Invitae), Labcorp).

NM_002437.5(MPV17):c.103C>T (p.Gln35Ter)

Gene: MPV17 (mitochondrial inner membrane protein MPV17; minus strand). Cytogenetic location: 2p23.3.
Variant type: single nucleotide variant.
Coding change: c.103C>T on transcript NM_002437.5 (MANE Select); coding-DNA position 103, C replaced by T.
Protein change: p.Gln35Ter; replaces glutamine 35 with a stop codon.
Molecular consequence: nonsense.
Genome position (GRCh38, 1-based): chr2:27,313,077, G>A on the plus strand (C>T on the coding strand, the complement: MPV17 is on the minus strand). VCF-style: chr2-27313077-G-A. GRCh37 (hg19) VCF-style: chr2-27535944-G-A.
Other names: short protein forms Q35*.
Identifiers: ClinVar variation 2013271 (VCV002013271.5), dbSNP rs2465685264, ClinGen allele CA346209464.